The following is an entry in ClinVar:

ClinVar aggregate classification (germline): Uncertain significance (1 of 4 stars; one submission).

Conditions:
Bardet-Biedl syndrome (BBS). Identifiers: Orphanet 110, MedGen C0752166, MONDO:0015229.

Submission:

Labcorp Genetics (formerly Invitae), Labcorp
Classification: Uncertain significance for Bardet-Biedl syndrome. Last evaluated: 2025-06-12. Review status: criteria provided, single submitter. Criteria: Invitae Variant Classification Sherloc (09022015). Collection method: clinical testing. Allele origin: germline.
Comment: This sequence change replaces asparagine, which is neutral and polar, with tyrosine, which is neutral and polar, at codon 324 of the WDPCP protein (p.Asn324Tyr). This variant is not present in population databases (gnomAD no frequency). This variant has not been reported in the literature in individuals affected with WDPCP-related conditions. ClinVar contains an entry for this variant (Variation ID: 2086721). Invitae Evidence Modeling of protein sequence and biophysical properties (such as structural, functional, and spatial information, amino acid conservation, physicochemical variation, residue mobility, and thermodynamic stability) has been performed for this missense variant. However, the output from this modeling did not meet the statistical confidence thresholds required to predict the impact of this variant on WDPCP protein function. In summary, the available evidence is currently insufficient to determine the role of this variant in disease. Therefore, it has been classified as a Variant of Uncertain Significance.

NM_015910.7(WDPCP):c.970A>T (p.Asn324Tyr)

Gene: WDPCP (WD repeat containing planar cell polarity effector; minus strand). Cytogenetic location: 2p15.
Variant type: single nucleotide variant.
Coding change: c.970A>T on transcript NM_015910.7 (MANE Select); coding-DNA position 970, A replaced by T.
Protein change: p.Asn324Tyr; replaces asparagine 324 with tyrosine.
Molecular consequence: missense variant. On other transcripts: non-coding transcript variant (3).
Genome position (GRCh38, 1-based): chr2:63,404,513, T>A on the plus strand (A>T on the coding strand, the complement: WDPCP is on the minus strand). VCF-style: chr2-63404513-T-A. GRCh37 (hg19) VCF-style: chr2-63631648-T-A.
Other names: c.493A>T, p.Asn165Tyr (NM_001042692.3); c.898A>T, p.Asn300Tyr (NM_001354044.2); c.970A>T, p.Asn324Tyr (NM_001354045.2); short protein forms N165Y, N300Y, N324Y.
Identifiers: ClinVar variation 2086721 (VCV002086721.4), dbSNP rs2466520148, ClinGen allele CA347065420.